The following is an entry in ClinVar:

NM_002972.4(SBF1):c.1102C>T (p.Arg368Cys)

Gene: SBF1 (SET binding factor 1; minus strand). Cytogenetic location: 22q13.33.
Variant type: single nucleotide variant.
Coding change: c.1102C>T on transcript NM_002972.4 (MANE Select); coding-DNA position 1102, C replaced by T.
Protein change: p.Arg368Cys; replaces arginine 368 with cysteine.
Molecular consequence: missense variant.
Genome position (GRCh38, 1-based): chr22:50,465,316, G>A on the plus strand (C>T on the coding strand, the complement: SBF1 is on the minus strand). VCF-style: chr22-50465316-G-A. GRCh37 (hg19) VCF-style: chr22-50903745-G-A.
Other names: c.1105C>T, p.Arg369Cys (NM_001365819.1); short protein forms R368C, R369C.
Identifiers: ClinVar variation 1305080 (VCV001305080.2), dbSNP rs904052173, ClinGen allele CA325534759.

ClinVar aggregate classification (germline): Uncertain significance (1 of 4 stars; one submission).

Allele frequency attached by ClinVar (database versions not stated): gnomAD 0.00001; gnomAD exomes 0.00001.

Submission:

GeneDx
Classification: Uncertain significance. Last evaluated: 2019-04-09. Review status: criteria provided, single submitter. Criteria: GeneDx Variant Classification Process June 2021. Collection method: clinical testing. Allele origin: germline. Affected: yes.
Comment: Not observed at a significant frequency in large population cohorts (Lek et al., 2016); In silico analysis, which includes protein predictors and evolutionary conservation, supports a deleterious effect; Has not been previously published as pathogenic or benign to our knowledge